The following is an entry in ClinVar:

NM_001844.5(COL2A1):c.3713A>C (p.Tyr1238Ser)

Gene: COL2A1 (collagen type II alpha 1 chain; minus strand). Cytogenetic location: 12q13.11.
Variant type: single nucleotide variant.
Coding change: c.3713A>C on transcript NM_001844.5 (MANE Select); coding-DNA position 3713, A replaced by C.
Protein change: p.Tyr1238Ser; replaces tyrosine 1238 with serine.
Molecular consequence: missense variant.
Genome position (GRCh38, 1-based): chr12:47,975,490, T>G on the plus strand (A>C on the coding strand, the complement: COL2A1 is on the minus strand). VCF-style: chr12-47975490-T-G. GRCh37 (hg19) VCF-style: chr12-48369273-T-G.
Other names: c.3506A>C, p.Tyr1169Ser (NM_033150.3); short protein forms Y1238S, Y1169S.
Identifiers: ClinVar variation 883498 (VCV000883498.16), dbSNP rs199726428, ClinGen allele CA6534662.

ClinVar aggregate classification (germline): Conflicting classifications of pathogenicity. Review status: criteria provided, conflicting classifications (1 of 4 stars). 7 submissions from 6 submitters: Uncertain significance (3); Likely benign (3). 1 of the submissions does not count toward it. Last evaluated 2025-11-11.

Conditions:
Type 2 collagenopathy. Identifiers: Orphanet 93421, MedGen C2931073, MONDO:0022800.
COL2A1-related disorder. Also called: COL2A1-related condition; COL2A1-related disorders.
Connective tissue disorder. Also called: Connective tissue disease. Identifiers: MedGen C0009782, MONDO:0003900.
Stickler syndrome type 1 (STL1). Also called: COL2A1-Related Stickler Syndrome; STICKLER SYNDROME, MEMBRANOUS VITREOUS TYPE; STICKLER SYNDROME, VITREOUS TYPE 1; ARTHROOPHTHALMOPATHY, HEREDITARY PROGRESSIVE. Identifiers: Orphanet 828, Orphanet 90653, MedGen C2020284, MONDO:0007160, OMIM 108300.

Allele frequency attached by ClinVar (database versions not stated): ExAC 0.00002; gnomAD exomes 0.00002 and 0.00003; gnomAD 0.00005 and 0.00006; TOPMed 0.00005.
gnomAD v4.1: 48 of 1,613,388 alleles (0.003%); highest among the groups gnomAD compares: Non-Finnish European, 0.0041%; no homozygotes.

Submissions (7):

Labcorp Genetics (formerly Invitae), Labcorp
Classification: Likely benign. Last evaluated: 2025-11-11. Review status: criteria provided, single submitter. Criteria: Invitae Variant Classification Sherloc (09022015). Collection method: clinical testing. Allele origin: germline.

GeneDx
Classification: Uncertain significance. Last evaluated: 2025-02-04. Review status: criteria provided, single submitter. Criteria: GeneDx Variant Classification Process June 2021. Collection method: clinical testing. Allele origin: germline. Affected: yes.
Comment: In silico analysis supports that this missense variant has a deleterious effect on protein structure/function; Has not been previously published as pathogenic or benign to our knowledge; Not located in the triple helical region, where the majority of pathogenic missense variants occur (HGMD)

Blueprint Genetics
Classification: Likely benign. Last evaluated: 2022-11-14. Review status: criteria provided, single submitter. Criteria: ACMG Guidelines, 2015. Collection method: clinical testing. Allele origin: germline.

Genome Diagnostics Laboratory, The Hospital for Sick Children
Classification: Uncertain significance for Connective tissue disorder. Last evaluated: 2020-02-01. Review status: criteria provided, single submitter. Criteria: ACMG Guidelines, 2015. Collection method: clinical testing. Allele origin: germline.

Illumina Laboratory Services, Illumina
Classification: Uncertain significance for Stickler syndrome type 1. Last evaluated: 2018-01-13. Review status: criteria provided, single submitter. Criteria: ICSL Variant Classification Criteria 13 December 2019. Collection method: clinical testing. Allele origin: germline.

Illumina Laboratory Services, Illumina
Classification: Likely benign for Type II Collagenopathies. Last evaluated: 2018-01-13. Review status: criteria provided, single submitter. Criteria: ICSL Variant Classification Criteria 13 December 2019. Collection method: clinical testing. Allele origin: germline.
Comment: This variant was observed in the ICSL laboratory as part of a predisposition screen in an ostensibly healthy population. It had not been previously curated by ICSL or reported in the Human Gene Mutation Database (HGMD: prior to June 1st, 2018), and was therefore a candidate for classification through an automated scoring system. Utilizing variant allele frequency, disease prevalence and penetrance estimates, and inheritance mode, an automated score was calculated to assess if this variant is too frequent to cause the disease. Based on the score and internal cut-off values, a variant classified as likely benign is not then subjected to further curation. The score for this variant resulted in a classification of likely benign for this disease.

PreventionGenetics, part of Exact Sciences
Classification: Uncertain significance for COL2A1-related condition. Last evaluated: 2024-09-11. Review status: no assertion criteria provided. Collection method: clinical testing. Allele origin: germline. Not counted in ClinVar's aggregate classification.
Comment: The COL2A1 c.3713A>C variant is predicted to result in the amino acid substitution p.Tyr1238Ser. To our knowledge, this variant has not been reported in the literature. A variant impacting the same amino acid (c.3713A>G, p.Tyr1238Cys) has been reported in an individual with Stickler syndrome type 1 (Suppl. Table S1, Barat-Houari et al. 2016. PubMed ID: 26443184). This variant is reported in 0.0077% of alleles in individuals of European (Non-Finnish) descent in gnomAD. At this time, the clinical significance of this variant is uncertain due to the absence of conclusive functional and genetic evidence.